The following is an entry in ClinVar:

NM_138694.4(PKHD1):c.2733del (p.Asn911fs)

Gene: PKHD1 (PKHD1 ciliary IPT domain containing fibrocystin/polyductin; minus strand). Cytogenetic location: 6p12.2.
Variant type: Deletion.
Coding change: c.2733del on transcript NM_138694.4 (MANE Select); coding-DNA position 2733, one base deleted (T; older notation c.2733delT).
Protein change: p.Asn911fs; shifts the reading frame from asparagine 911.
Molecular consequence: frameshift variant.
Genome position (GRCh38, 1-based): chr6:52,043,713, A deleted on the plus strand (T on the coding strand, the reverse complement: PKHD1 is on the minus strand). VCF-style (leftmost placement, unchanged base first): chr6-52043712-CA-C. GRCh37 (hg19) VCF-style: chr6-51908510-CA-C.
Other names: c.2733del, p.Asn911fs (NM_170724.3); short protein forms N911fs.
Identifiers: ClinVar variation 1405972 (VCV001405972.6), dbSNP rs2128184202, ClinGen allele CA2573140964.
Genomic context (GRCh38, chr6:52,043,712, plus strand): 5'-AGGGAGTTGACCCTTGGAGGTACTGGAAAGAGCAGGAACCTGGGCAATGAGCTGGTACAT[CA>C]TTCACTCGCACAACCACCTGAAATGAGGCAAAATTTCTTTTCCATTTTATGCATTTCATA-3'

ClinVar aggregate classification (germline): Pathogenic (1 of 4 stars; one submission).

Conditions:
Autosomal recessive polycystic kidney disease (ARPKD). Also called: AR polycystic kidney disease. Identifiers: Orphanet 731, Orphanet 8378, MedGen C0085548, MeSH D017044, MONDO:0009889.

Submission:

Labcorp Genetics (formerly Invitae), Labcorp
Classification: Pathogenic for Autosomal recessive polycystic kidney disease. Last evaluated: 2021-11-04. Review status: criteria provided, single submitter. Criteria: Invitae Variant Classification Sherloc (09022015). Collection method: clinical testing. Allele origin: germline.
Comment: For these reasons, this variant has been classified as Pathogenic. This variant has not been reported in the literature in individuals affected with PKHD1-related conditions. This variant is not present in population databases (gnomAD no frequency). This sequence change creates a premature translational stop signal (p.Asn911Lysfs*36) in the PKHD1 gene. It is expected to result in an absent or disrupted protein product. Loss-of-function variants in PKHD1 are known to be pathogenic (PMID: 19940839).

Literature cited by the submitters: PubMed 19940839.